The following is an entry in ClinVar:

ClinVar aggregate classification (germline): Benign (1 of 4 stars; one submission).

Allele frequency attached by ClinVar (database versions not stated): 1000 Genomes Project 0.00260; 1000 Genomes Project 30x 0.00265; gnomAD 0.00436; ESP Exome Variant Server 0.00508; TOPMed 0.00513; ExAC 0.00519; gnomAD exomes 0.00696.
gnomAD v4.1: 10,887 of 1,612,654 alleles (0.68%); highest among the groups gnomAD compares: South Asian, 1%; 53 homozygotes.

Submission:

CeGaT Center for Human Genetics Tuebingen
Classification: Benign. Last evaluated: 2026-10-01. Review status: criteria provided, single submitter. Criteria: CeGaT Center For Human Genetics Tuebingen Variant Classification Criteria Version 2. Collection method: clinical testing. Allele origin: germline. Affected: yes. Observed: 14 variant alleles.
Comment: FZR1: BP4, BP7, BS1, BS2

NM_016263.4(FZR1):c.429C>T (p.Asn143=)

Gene: FZR1 (fizzy and cell division cycle 20 related 1; plus strand). Cytogenetic location: 19p13.3.
Variant type: single nucleotide variant.
Coding change: c.429C>T on transcript NM_016263.4 (MANE Select); coding-DNA position 429, C replaced by T.
Protein change: p.Asn143=; no amino-acid change (asparagine 143 retained).
Molecular consequence: synonymous variant. On other transcripts: intron variant (1).
Genome position (GRCh38, 1-based): chr19:3,527,021, C>T. VCF-style: chr19-3527021-C-T. GRCh37 (hg19) VCF-style: chr19-3527019-C-T.
Other names: c.429C>T, p.Asn143= (NM_001136198.1); c.387+635C>T (NM_001136197.1).
Identifiers: ClinVar variation 2648988 (VCV002648988.24), dbSNP rs138835338, ClinGen allele CA9078260.